The following is an entry in ClinVar:

NM_002439.5(MSH3):c.2027C>A (p.Pro676His)

Gene: MSH3 (mutS homolog 3; plus strand). Cytogenetic location: 5q14.1.
Variant type: single nucleotide variant.
Coding change: c.2027C>A on transcript NM_002439.5 (MANE Select); coding-DNA position 2027, C replaced by A.
Protein change: p.Pro676His; replaces proline 676 with histidine.
Molecular consequence: missense variant.
Genome position (GRCh38, 1-based): chr5:80,768,063, C>A. VCF-style: chr5-80768063-C-A. GRCh37 (hg19) VCF-style: chr5-80063882-C-A.
Other names: c.2027C>A (NM_002439.3); short protein forms P676H.
Identifiers: ClinVar variation 2089493 (VCV002089493.5), dbSNP rs2546773683, ClinGen allele CA360277801.

ClinVar aggregate classification (germline): Uncertain significance. Review status: criteria provided, multiple submitters, no conflicts (2 of 4 stars). 2 submissions from 2 submitters: Uncertain significance (2). Last evaluated 2024-05-20.

Conditions:
Hereditary cancer-predisposing syndrome. Also called: Tumor predisposition; Hereditary Cancer Syndrome; Hereditary neoplastic syndrome; Neoplastic Syndromes, Hereditary. Identifiers: Orphanet 140162, MedGen C0027672, MeSH D009386, MONDO:0015356.

Submissions (2):

Ambry Genetics
Classification: Uncertain significance for Hereditary cancer-predisposing syndrome. Last evaluated: 2024-05-20. Review status: criteria provided, single submitter. Criteria: Ambry Variant Classification Scheme 2023. Collection method: clinical testing. Allele origin: germline.
Comment: The p.P676H variant (also known as c.2027C>A), located in coding exon 14 of the MSH3 gene, results from a C to A substitution at nucleotide position 2027. The proline at codon 676 is replaced by histidine, an amino acid with similar properties. This amino acid position is conserved. In addition, the in silico prediction for this alteration is inconclusive. Based on the available evidence, the clinical significance of this variant remains unclear.

Labcorp Genetics (formerly Invitae), Labcorp
Classification: Uncertain significance. Last evaluated: 2022-01-26. Review status: criteria provided, single submitter. Criteria: Invitae Variant Classification Sherloc (09022015). Collection method: clinical testing. Allele origin: germline.
Comment: This sequence change replaces proline, which is neutral and non-polar, with histidine, which is basic and polar, at codon 676 of the MSH3 protein (p.Pro676His). In summary, the available evidence is currently insufficient to determine the role of this variant in disease. Therefore, it has been classified as a Variant of Uncertain Significance. Algorithms developed to predict the effect of missense changes on protein structure and function are either unavailable or do not agree on the potential impact of this missense change (SIFT: "Tolerated"; PolyPhen-2: "Possibly Damaging"; Align-GVGD: "Class C0"). This variant has not been reported in the literature in individuals affected with MSH3-related conditions. This variant is not present in population databases (gnomAD no frequency).